The following is an entry in ClinVar:

ClinVar aggregate classification (germline): Pathogenic. Review status: criteria provided, multiple submitters, no conflicts (2 of 4 stars). 3 submissions from 3 submitters: Pathogenic (3). Last evaluated 2023-09-14.

Conditions:
Wilson disease (WND). Also called: Wilson's disease. Identifiers: Orphanet 905, MedGen C0019202, MONDO:0010200, OMIM 277900. Disease mechanism: loss of function.

Submissions (3):

Labcorp Genetics (formerly Invitae), Labcorp
Classification: Pathogenic for Wilson disease. Last evaluated: 2023-09-14. Review status: criteria provided, single submitter. Criteria: Invitae Variant Classification Sherloc (09022015). Collection method: clinical testing. Allele origin: germline.
Comment: This sequence change creates a premature translational stop signal (p.Gly379Alafs*2) in the ATP7B gene. It is expected to result in an absent or disrupted protein product. Loss-of-function variants in ATP7B are known to be pathogenic (PMID: 10441329, 16283883). This variant is not present in population databases (gnomAD no frequency). This premature translational stop signal has been observed in individual(s) with Wilson disease (PMID: 9671269). ClinVar contains an entry for this variant (Variation ID: 1162221). For these reasons, this variant has been classified as Pathogenic.

Genome-Nilou Lab
Classification: Pathogenic for Wilson disease. Last evaluated: 2021-08-10. Review status: criteria provided, single submitter. Criteria: ACMG Guidelines, 2015. Collection method: clinical testing. Allele origin: germline. Affected: no.

Inborn Errors of Metabolism Laboratory, Hospices Civils de Lyon
Classification: Pathogenic for Wilson disease. Last evaluated: 2021-06-01. Review status: criteria provided, single submitter. Criteria: ACMG Guidelines, 2015. Collection method: clinical testing. Allele origin: germline. Affected: yes. Observed: 1 variant allele.

Literature cited by the submitters: PubMed 10441329 (cited by Labcorp Genetics (formerly Invitae), Labcorp); PubMed 16283883 (cited by Labcorp Genetics (formerly Invitae), Labcorp); PubMed 9671269 (cited by Labcorp Genetics (formerly Invitae), Labcorp and Inborn Errors of Metabolism Laboratory, Hospices Civils de Lyon).

NM_000053.4(ATP7B):c.1136del (p.Gly379fs)

Gene: ATP7B (ATPase copper transporting beta; minus strand). Cytogenetic location: 13q14.3.
Variant type: Deletion.
Coding change: c.1136del on transcript NM_000053.4 (MANE Select); coding-DNA position 1136, one base deleted (G; older notation c.1136delG).
Protein change: p.Gly379fs; shifts the reading frame from glycine 379.
Molecular consequence: frameshift variant.
Genome position (GRCh38, 1-based): chr13:51,974,084, C deleted on the plus strand (G on the coding strand, the reverse complement: ATP7B is on the minus strand); the first of 2 consecutive C bases (chr13:51,974,084-51,974,085); deleting either gives the same sequence. VCF-style (leftmost placement, unchanged base first): chr13-51974083-GC-G. GRCh37 (hg19) VCF-style: chr13-52548219-GC-G.
Other names: c.1136del, p.Gly379fs (NM_001005918.3, NM_001330578.2, NM_001330579.2); short protein forms G379fs.
Identifiers: ClinVar variation 1162221 (VCV001162221.8), dbSNP rs2140072323, ClinGen allele CA2499222500.
Genomic context (GRCh38, chr13:51,974,083, plus strand): 5'-TGCAGTCCCTTCGGCCAAAGACACCGATATTTGCTGCACCCCTTCCAGTTGGGAGATCAT[GC>G]CTTCAATGGAATGGACACAGGATGCACAGGTCATGCCGGCAATGGCAATCAGAGTGGTAC-3'